The following is an entry in ClinVar:

ClinVar aggregate classification (germline): Uncertain significance (1 of 4 stars; one submission).

Conditions:
Glycogen storage disease, type II (IOPD). Also called: CARDIOMEGALIA GLYCOGENICA DIFFUSA; GLYCOGENOSIS, GENERALIZED, CARDIAC FORM; GSD II; Pompe Disease; Glycogen storage disease type 2; Acid maltase deficiency disease. Identifiers: Orphanet 365, MedGen C0017921, MONDO:0009290, OMIM 232300.

Submission:

Labcorp Genetics (formerly Invitae), Labcorp
Classification: Uncertain significance for Glycogen storage disease, type II. Last evaluated: 2024-01-22. Review status: criteria provided, single submitter. Criteria: Invitae Variant Classification Sherloc (09022015). Collection method: clinical testing. Allele origin: germline.
Comment: This sequence change replaces serine, which is neutral and polar, with cysteine, which is neutral and slightly polar, at codon 735 of the GAA protein (p.Ser735Cys). This variant is not present in population databases (gnomAD no frequency). This variant has not been reported in the literature in individuals affected with GAA-related conditions. Advanced modeling of protein sequence and biophysical properties (such as structural, functional, and spatial information, amino acid conservation, physicochemical variation, residue mobility, and thermodynamic stability) performed at Invitae indicates that this missense variant is not expected to disrupt GAA protein function with a negative predictive value of 95%. In summary, the available evidence is currently insufficient to determine the role of this variant in disease. Therefore, it has been classified as a Variant of Uncertain Significance.

NM_000152.5(GAA):c.2204C>G (p.Ser735Cys)

Gene: GAA (alpha glucosidase; plus strand). Cytogenetic location: 17q25.3.
Variant type: single nucleotide variant.
Coding change: c.2204C>G on transcript NM_000152.5 (MANE Select); coding-DNA position 2204, C replaced by G.
Protein change: p.Ser735Cys; replaces serine 735 with cysteine.
Molecular consequence: missense variant.
Genome position (GRCh38, 1-based): chr17:80,116,982, C>G. VCF-style: chr17-80116982-C-G. GRCh37 (hg19) VCF-style: chr17-78090781-C-G.
Other names: c.2204C>G, p.Ser735Cys (NM_001079803.3, NM_001079804.3, NM_001406741.1 and 1 more transcripts); short protein forms S735C.
Identifiers: ClinVar variation 3019921 (VCV003019921.3), dbSNP rs1433908909, ClinGen allele CA401324708.